The following is an entry in ClinVar:

NM_006005.3(WFS1):c.2558A>C (p.Gln853Pro)

Gene: WFS1 (wolframin ER transmembrane glycoprotein; plus strand). Cytogenetic location: 4p16.1.
Variant type: single nucleotide variant.
Coding change: c.2558A>C on transcript NM_006005.3 (MANE Select); coding-DNA position 2558, A replaced by C.
Protein change: p.Gln853Pro; replaces glutamine 853 with proline.
Molecular consequence: missense variant.
Genome position (GRCh38, 1-based): chr4:6,302,353, A>C. VCF-style: chr4-6302353-A-C. GRCh37 (hg19) VCF-style: chr4-6304080-A-C.
Other names: c.2558A>C, p.Gln853Pro (NM_001145853.1); short protein forms Q853P.
Identifiers: ClinVar variation 2110435 (VCV002110435.4), dbSNP rs2474197614, ClinGen allele CA356179226.

ClinVar aggregate classification (germline): Uncertain significance (1 of 4 stars; one submission).

Submission:

Labcorp Genetics (formerly Invitae), Labcorp
Classification: Uncertain significance. Last evaluated: 2022-03-12. Review status: criteria provided, single submitter. Criteria: Invitae Variant Classification Sherloc (09022015). Collection method: clinical testing. Allele origin: germline.
Comment: Advanced modeling of protein sequence and biophysical properties (such as structural, functional, and spatial information, amino acid conservation, physicochemical variation, residue mobility, and thermodynamic stability) performed at Invitae indicates that this missense variant is not expected to disrupt WFS1 protein function. In summary, the available evidence is currently insufficient to determine the role of this variant in disease. Therefore, it has been classified as a Variant of Uncertain Significance. This variant has not been reported in the literature in individuals affected with WFS1-related conditions. This variant is not present in population databases (gnomAD no frequency). This sequence change replaces glutamine, which is neutral and polar, with proline, which is neutral and non-polar, at codon 853 of the WFS1 protein (p.Gln853Pro).